The following is an entry in ClinVar:

NM_001101648.2(NPC1L1):c.3137-1305A>G

Gene: NPC1L1 (NPC1 like intracellular cholesterol transporter 1; minus strand). Cytogenetic location: 7p13.
Variant type: single nucleotide variant.
Coding change: c.3137-1305A>G on transcript NM_001101648.2 (MANE Select); 1305 bases into the intron before coding-DNA position 3137, A replaced by G.
Molecular consequence: intron variant. On other transcripts: synonymous variant (1).
Genome position (GRCh38, 1-based): chr7:44,518,662, T>C on the plus strand (A>G on the coding strand, the complement: NPC1L1 is on the minus strand). VCF-style: chr7-44518662-T-C. GRCh37 (hg19) VCF-style: chr7-44558261-T-C.
Other names: c.3141A>G, p.Thr1047= (NM_013389.3).
Identifiers: ClinVar variation 2657431 (VCV002657431.24), dbSNP rs750811960, ClinGen allele CA4241611.

ClinVar aggregate classification (germline): Likely benign (1 of 4 stars; one submission).

Allele frequency attached by ClinVar (database versions not stated): 1000 Genomes Project 30x 0.00016; gnomAD exomes 0.00024; TOPMed 0.00034; gnomAD 0.00038; ExAC 0.00105.
gnomAD v4.1: 317 of 1,168,038 alleles (0.027%); highest among the groups gnomAD compares: Middle Eastern, 0.17%; 1 homozygote.

Submission:

CeGaT Center for Human Genetics Tuebingen
Classification: Likely benign. Last evaluated: 2022-05-01. Review status: criteria provided, single submitter. Criteria: CeGaT Center For Human Genetics Tuebingen Variant Classification Criteria Version 2. Collection method: clinical testing. Allele origin: germline. Affected: yes. Observed: 1 variant allele.
Comment: NPC1L1: BP4, BP7